The following is an entry in ClinVar:

ClinVar aggregate classification (germline): Uncertain significance. Review status: criteria provided, multiple submitters, no conflicts (2 of 4 stars). 2 submissions from 2 submitters: Uncertain significance (2). Last evaluated 2025-08-18.

Conditions:
Pleuropulmonary blastoma (PPB). Identifiers: Orphanet 64742, MedGen C1266144, MONDO:0011014, OMIM 601200, HP:0100528.
Global developmental delay - lung cysts - overgrowth - Wilms tumor syndrome. Also called: GLOW Syndrome; GLOBAL DEVELOPMENTAL DELAY, LUNG CYSTS, OVERGROWTH, AND WILMS TUMOR. Identifiers: Orphanet 404476, MedGen C4748924, MONDO:0018445, OMIM 618272.
Euthyroid goiter (MNG1). Also called: SIMPLE GOITER; Goiter, multinodular 1, with or without Sertoli-Leydig cell tumors; GOITER, NONTOXIC, WITH INTRATHYROIDAL CALCIFICATION; MULTINODULAR GOITER, ADOLESCENT. Identifiers: Orphanet 276399, MedGen C0302859, MONDO:0007681, OMIM 138800, HP:0009798.
Rhabdomyosarcoma, embryonal, 2 (RMSE2). Identifiers: MedGen C1867234, MONDO:0859046, OMIM 180295.
DICER1-related tumor predisposition. Also called: DICER1 syndrome; DICER1-related pleuropulmonary blastoma cancer predisposition syndrome. Identifiers: Orphanet 284343, MedGen C3839822, MONDO:0100216.

gnomAD v4.1: 1 of 1,614,170 alleles (0.000062%); no homozygotes.

Submissions (2):

Labcorp Genetics (formerly Invitae), Labcorp
Classification: Uncertain significance for DICER1-related tumor predisposition. Last evaluated: 2025-08-18. Review status: criteria provided, single submitter. Criteria: Invitae Variant Classification Sherloc (09022015). Collection method: clinical testing. Allele origin: germline.
Comment: This sequence change replaces serine, which is neutral and polar, with cysteine, which is neutral and slightly polar, at codon 1505 of the DICER1 protein (p.Ser1505Cys). This variant is not present in population databases (gnomAD no frequency). This variant has not been reported in the literature in individuals affected with DICER1-related conditions. ClinVar contains an entry for this variant (Variation ID: 861258). Invitae Evidence Modeling of protein sequence and biophysical properties (such as structural, functional, and spatial information, amino acid conservation, physicochemical variation, residue mobility, and thermodynamic stability) indicates that this missense variant is not expected to disrupt DICER1 protein function with a negative predictive value of 95%. In summary, the available evidence is currently insufficient to determine the role of this variant in disease. Therefore, it has been classified as a Variant of Uncertain Significance.

Fulgent Genetics
Classification: Uncertain significance for Euthyroid goiter; Rhabdomyosarcoma, embryonal, 2; Pleuropulmonary blastoma; Global developmental delay - lung cysts - overgrowth - Wilms tumor syndrome. Last evaluated: 2024-05-21. Review status: criteria provided, single submitter. Criteria: ACMG Guidelines, 2015. Collection method: clinical testing. Allele origin: germline.

NM_177438.3(DICER1):c.4514C>G (p.Ser1505Cys)

Gene: DICER1 (dicer 1, ribonuclease III; minus strand). Cytogenetic location: 14q32.13.
Variant type: single nucleotide variant.
Coding change: c.4514C>G on transcript NM_177438.3 (MANE Select); coding-DNA position 4514, C replaced by G.
Protein change: p.Ser1505Cys; replaces serine 1505 with cysteine.
Molecular consequence: missense variant.
Genome position (GRCh38, 1-based): chr14:95,096,406, G>C on the plus strand (C>G on the coding strand, the complement: DICER1 is on the minus strand). VCF-style: chr14-95096406-G-C. GRCh37 (hg19) VCF-style: chr14-95562743-G-C.
Other names: c.4514C>G, p.Ser1505Cys (NM_001291628.2, NM_030621.4, NM_001195573.1 and 1 more transcripts); short protein forms S1505C.
Identifiers: ClinVar variation 861258 (VCV000861258.12), dbSNP rs1890339895, ClinGen allele CA390868009.